The following is an entry in ClinVar:

NM_000257.4(MYH7):c.1449G>T (p.Glu483Asp)

Gene: MYH7 (myosin heavy chain 7; minus strand). Cytogenetic location: 14q11.2.
Variant type: single nucleotide variant.
Coding change: c.1449G>T on transcript NM_000257.4 (MANE Select); coding-DNA position 1449, G replaced by T.
Protein change: p.Glu483Asp; replaces glutamic acid 483 with aspartic acid.
Molecular consequence: missense variant.
Genome position (GRCh38, 1-based): chr14:23,428,629, C>A on the plus strand (G>T on the coding strand, the complement: MYH7 is on the minus strand). VCF-style: chr14-23428629-C-A. GRCh37 (hg19) VCF-style: chr14-23897838-C-A.
Other names: c.1449G>T, p.Glu483Asp (NM_001407004.1); short protein forms E483D.
Identifiers: ClinVar variation 3070820 (VCV003070820.1), dbSNP rs1892794938, ClinGen allele CA389050576.
Genomic context (GRCh38, chr14:23,428,629, plus strand): 5'-CTTCTTGTACTCCTCCTGCTCCAGCACAAACATGTGGTGGTTGAAGAACTGCTGCAGCTT[C>A]TCGTTGGTGAAGTTGATGCAGAGCTGCTCAAAGCTGTTGAACTGCAGGGGGCATGAGGGG-3'
Protein context (NP_000248.2, residues 473-493): FEQLCINFTN[Glu483Asp]KLQQFFNHHM

ClinVar aggregate classification (germline): Uncertain significance (1 of 4 stars; one submission).

Conditions:
Cardiomyopathy (CMYO). Also called: Cardiomyopathies. Identifiers: Orphanet 167848, MedGen C0878544, MONDO:0004994, HP:0001638. Inheritance: Various modes of inheritance.

Allele frequency attached by ClinVar (database versions not stated): gnomAD exomes below 0.00001; TOPMed below 0.00001.
gnomAD v4.1: 1 of 1,614,186 alleles (0.000062%); highest among the groups gnomAD compares: Non-Finnish European, 0.000085%; no homozygotes.

Submission:

All of Us Research Program, National Institutes of Health
Classification: Uncertain significance for Cardiomyopathy. Last evaluated: 2023-10-06. Review status: criteria provided, single submitter. Criteria: ACMG Guidelines, 2015. Collection method: clinical testing. Allele origin: germline. Inheritance: Autosomal dominant inheritance. Observed: 3 variant alleles, 3 heterozygotes.
Comment: This missense variant replaces glutamic acid with aspartic acid at codon 483 of the MYH7 protein. This variant is found within a highly conserved region of the myosin head domain. Missense variants in this region have been shown to be significantly overrepresented in individuals with hypertrophic cardiomyopathy (PMID: 27532257). Computational prediction suggests that this variant may have deleterious impact on protein structure and function (internally defined REVEL score threshold >= 0.7, PMID: 27666373). To our knowledge, functional studies have not been reported for this variant. This variant has not been reported in individuals affected with MYH7-related disorders in the literature. This variant has not been identified in the general population by the Genome Aggregation Database (gnomAD). A different variant affecting the same codon, p.Glu483Lys, is a well documented pathogenic mutation (Clinvar variation ID: 14119), indicating that glutamic acid at this position is important for MYH7 protein function. The available evidence is insufficient to determine the role of this variant in disease conclusively. Therefore, this variant is classified as a Variant of Uncertain Significance.

This study involves interpretation of variants in research participants for the purpose of population health screening. Participant phenotype was not available at the time of variant classification. Additional details can be found in publication PMID: 35346344, PMCID: PMC8962531

Literature cited by the submitters: PubMed 27532257.